The following is an entry in ClinVar:

ClinVar aggregate classification (germline): Uncertain significance (1 of 4 stars; one submission).

Conditions:
Retinitis pigmentosa 56 (RP56). Identifiers: Orphanet 791, MedGen C3150819, MONDO:0013314, OMIM 613581.
Vitelliform macular dystrophy 5. Identifiers: Orphanet 99000, MedGen C4015343, MONDO:0014509, OMIM 616152.

Submission:

Juno Genomics, Hangzhou Juno Genomics, Inc
Classification: Uncertain significance for Vitelliform macular dystrophy 5; Retinitis pigmentosa 56. Review status: criteria provided, single submitter. Criteria: ACMG Guidelines, 2015. Collection method: clinical testing. Allele origin: germline.
Comment: Absent from controls (or at extremely low frequency if recessive) in Genome Aggregation Database.;De novo (both maternity and paternity confirmed) in a patient with the disease and no family history.;Protein length changes due to in-frame deletions/insertions in a non-repeat region or stop-loss variants.

NM_016247.4(IMPG2):c.1225_1227del (p.Pro409del)

Gene: IMPG2 (interphotoreceptor matrix proteoglycan 2; minus strand). Cytogenetic location: 3q12.3.
Variant type: Deletion.
Coding change: c.1225_1227del on transcript NM_016247.4 (MANE Select); coding-DNA positions 1225 to 1227, 3 bases deleted (CCG; older notation c.1225_1227delCCG).
Protein change: p.Pro409del; deletes proline 409.
Molecular consequence: inframe deletion.
Genome position (GRCh38, 1-based): chr3:101,253,708-101,253,710, CGG deleted on the plus strand (CCG on the coding strand, the reverse complement: IMPG2 is on the minus strand); deleting any 3 consecutive bases within chr3:101,253,708-101,253,712 gives the same sequence; the c. name uses the placement nearest the transcript's 3' end. VCF-style (leftmost placement, unchanged base first): chr3-101253707-ACGG-A. GRCh37 (hg19) VCF-style: chr3-100972551-ACGG-A.
Other names: short protein forms P409del.
Identifiers: ClinVar variation 5018922 (VCV005018922.2).